The following is an entry in ClinVar:

NM_015915.5(ATL1):c.412A>G (p.Lys138Glu)

Gene: ATL1 (atlastin GTPase 1; plus strand). Cytogenetic location: 14q22.1.
Variant type: single nucleotide variant.
Coding change: c.412A>G on transcript NM_015915.5 (MANE Select); coding-DNA position 412, A replaced by G.
Protein change: p.Lys138Glu; replaces lysine 138 with glutamic acid.
Molecular consequence: missense variant.
Genome position (GRCh38, 1-based): chr14:50,591,070, A>G. VCF-style: chr14-50591070-A-G. GRCh37 (hg19) VCF-style: chr14-51057788-A-G.
Other names: c.412A>G, p.Lys138Glu (NM_001127713.1, NM_181598.4); short protein forms K138E.
Identifiers: ClinVar variation 1718352 (VCV001718352.5), dbSNP rs2504492323, ClinGen allele CA389667013.

ClinVar aggregate classification (germline): Uncertain significance (1 of 4 stars; one submission).

Conditions:
Hereditary spastic paraplegia 3A (SPG3A). Also called: Spastic paraplegia 3A, autosomal dominant; SPASTIC PARAPLEGIA 3, AUTOSOMAL DOMINANT; FAMILIAL SPASTIC PARAPLEGIA, AUTOSOMAL DOMINANT, 1; SPG3; STRUMPELL DISEASE; Spastic Paraplegia 3A. Identifiers: Orphanet 100984, MedGen C2931355, MONDO:0008437, OMIM 182600.

Submission:

Labcorp Genetics (formerly Invitae), Labcorp
Classification: Uncertain significance for Hereditary spastic paraplegia 3A. Last evaluated: 2022-08-30. Review status: criteria provided, single submitter. Criteria: Invitae Variant Classification Sherloc (09022015). Collection method: clinical testing. Allele origin: germline.
Comment: In summary, the available evidence is currently insufficient to determine the role of this variant in disease. Therefore, it has been classified as a Variant of Uncertain Significance. Advanced modeling of protein sequence and biophysical properties (such as structural, functional, and spatial information, amino acid conservation, physicochemical variation, residue mobility, and thermodynamic stability) performed at Invitae indicates that this missense variant is not expected to disrupt ATL1 protein function. This variant has not been reported in the literature in individuals affected with ATL1-related conditions. This variant is not present in population databases (gnomAD no frequency). This sequence change replaces lysine, which is basic and polar, with glutamic acid, which is acidic and polar, at codon 138 of the ATL1 protein (p.Lys138Glu).